The following is an entry in ClinVar:

ClinVar aggregate classification (germline): Benign/Likely benign. Review status: criteria provided, multiple submitters, no conflicts (2 of 4 stars). 2 submissions from 2 submitters: Benign (1); Likely benign (1). Last evaluated 2025-12-20.

Conditions:
Juvenile polyposis/hereditary hemorrhagic telangiectasia syndrome (JPHT). Also called: JP/HHT SYNDROME; JUVENILE POLYPOSIS WITH HEREDITARY HEMORRHAGIC TELANGIECTASIA; POLYPOSIS, GENERALIZED JUVENILE, WITH PULMONARY ARTERIOVENOUS MALFORMATION; TELANGIECTASIA, HEREDITARY HEMORRHAGIC, WITH JUVENILE POLYPOSIS COLI; Juvenile Polyposis Syndrome / Hereditary Hemorrhagic Telangiectasia (JPS/HHT). Identifiers: Orphanet 2929, MedGen C1832942, MONDO:0008278, OMIM 175050.
Juvenile polyposis syndrome (JPS). Identifiers: Orphanet 2929, MedGen C0345893, MONDO:0017380, OMIM 174900.

Submissions (2):

Labcorp Genetics (formerly Invitae), Labcorp
Classification: Likely benign for Juvenile polyposis syndrome. Last evaluated: 2025-12-20. Review status: criteria provided, single submitter. Criteria: Invitae Variant Classification Sherloc (09022015). Collection method: clinical testing. Allele origin: germline.

Myriad Genetics, Inc.
Classification: Benign for Juvenile polyposis/hereditary hemorrhagic telangiectasia syndrome. Last evaluated: 2025-03-18. Review status: criteria provided, single submitter. Criteria: Myriad Autosomal Dominant, Autosomal Recessive and X-Linked Classification Criteria (2023). Collection method: clinical testing. Allele origin: unknown.
Comment: This variant is considered benign. This variant is a silent/synonymous amino acid change and it is not expected to impact splicing.

NM_005359.6(SMAD4):c.81A>G (p.Arg27=)

Gene: SMAD4 (SMAD family member 4; plus strand). Cytogenetic location: 18q21.2.
Variant type: single nucleotide variant.
Coding change: c.81A>G on transcript NM_005359.6 (MANE Select); coding-DNA position 81, A replaced by G.
Protein change: p.Arg27=; no amino-acid change (arginine 27 retained).
Molecular consequence: synonymous variant. On other transcripts: non-coding transcript variant (2).
Genome position (GRCh38, 1-based): chr18:51,047,127, A>G. VCF-style: chr18-51047127-A-G. GRCh37 (hg19) VCF-style: chr18-48573497-A-G.
Other names: c.81A>G, p.Arg27= (NM_001407041.1, NM_001407042.1, NM_001407043.1).
Identifiers: ClinVar variation 3903482 (VCV003903482.2).
Genomic context (GRCh38, chr18:51,047,127, plus strand): 5'-GAATACACCAACAAGTAATGATGCCTGTCTGAGCATTGTGCATAGTTTGATGTGCCATAG[A>G]CAAGGTGGAGAGAGTGAAACATTTGCAAAAAGAGCAATTGAAAGTTTGGTAAAGAAGCTG-3'
Protein context (NP_005350.1, residues 17-37): LSIVHSLMCH[Arg27=]QGGESETFAK